The following is an entry in ClinVar:

ClinVar aggregate classification (germline): Uncertain significance (1 of 4 stars; one submission).

Conditions:
Neuromuscular disease caused by qualitative or quantitative defects of dysferlin. Also called: Dysferlinopathy; Qualitative or quantitative defects of dysferlin. Identifiers: Orphanet 207073, MedGen C2931687, MONDO:0016145.

Allele frequency attached by ClinVar (database versions not stated): TOPMed below 0.00001; ExAC 0.00001; gnomAD exomes 0.00001.
gnomAD v4.1: 18 of 1,614,182 alleles (0.0011%); highest among the groups gnomAD compares: Middle Eastern, 0.017%; no homozygotes.

Submission:

Labcorp Genetics (formerly Invitae), Labcorp
Classification: Uncertain significance for Neuromuscular disease caused by qualitative or quantitative defects of dysferlin. Last evaluated: 2022-03-23. Review status: criteria provided, single submitter. Criteria: Invitae Variant Classification Sherloc (09022015). Collection method: clinical testing. Allele origin: germline.
Comment: This sequence change replaces alanine, which is neutral and non-polar, with valine, which is neutral and non-polar, at codon 2072 of the DYSF protein (p.Ala2072Val). This variant is present in population databases (rs760938026, gnomAD 0.006%). This variant has not been reported in the literature in individuals affected with DYSF-related conditions. ClinVar contains an entry for this variant (Variation ID: 834151). Advanced modeling of protein sequence and biophysical properties (such as structural, functional, and spatial information, amino acid conservation, physicochemical variation, residue mobility, and thermodynamic stability) performed at Invitae indicates that this missense variant is not expected to disrupt DYSF protein function. In summary, the available evidence is currently insufficient to determine the role of this variant in disease. Therefore, it has been classified as a Variant of Uncertain Significance.

NM_001130987.2(DYSF):c.6332C>T (p.Ala2111Val)

Gene: DYSF (dysferlin; plus strand). Cytogenetic location: 2p13.2.
Variant type: single nucleotide variant.
Coding change: c.6332C>T on transcript NM_001130987.2 (MANE Select); coding-DNA position 6332, C replaced by T.
Protein change: p.Ala2111Val; replaces alanine 2111 with valine.
Molecular consequence: missense variant.
Genome position (GRCh38, 1-based): chr2:71,686,464, C>T. VCF-style: chr2-71686464-C-T. GRCh37 (hg19) VCF-style: chr2-71913594-C-T.
Other names: c.6218C>T, p.Ala2073Val (NM_001130455.2); c.6173C>T, p.Ala2058Val (NM_001130976.2); c.6236C>T, p.Ala2079Val (NM_001130977.2); c.6278C>T, p.Ala2093Val (NM_001130978.2); c.6308C>T, p.Ala2103Val (NM_001130979.2); c.6266C>T, p.Ala2089Val (NM_001130980.2); c.6329C>T, p.Ala2110Val (NM_001130981.2); c.6311C>T, p.Ala2104Val (NM_001130982.2); and 5 more; short protein forms A2090V, A2104V, A2059V, A2072V, A2079V, A2094V, A2111V, A2080V.
Identifiers: ClinVar variation 834151 (VCV000834151.7), dbSNP rs760938026, ClinGen allele CA1707696.
Genomic context (GRCh38, chr2:71,686,464, plus strand): 5'-GCCTGCCCCAGTGGGATCACCATGGGTCCCTGTCTCCTCCCTCCCTCCAGAACTATGCTG[C>T]CATGAAGCTGGTGAAGCCCTTCAGCTGAGGACTCTCCTGCCCTGTAGAAGGGGCCGTGGG-3'
Protein context (NP_001124459.1, residues 2101-2119): IFIYAFPNYA[Ala2111Val]MKLVKPFS